The following is an entry in ClinVar:

ClinVar aggregate classification (germline): Uncertain significance. Review status: criteria provided, multiple submitters, no conflicts (2 of 4 stars). 3 submissions from 3 submitters: Uncertain significance (2). 1 of the submissions does not count toward it. Last evaluated 2021-09-27.

Conditions:
Inborn genetic diseases. Identifiers: MedGen C0950123, MeSH D030342.
Schimke immuno-osseous dysplasia (SIOD). Also called: Schimke Immunoosseous Dysplasia. Identifiers: Orphanet 1830, MedGen C0877024, MONDO:0009458, OMIM 242900.

Allele frequency attached by ClinVar (database versions not stated): gnomAD exomes below 0.00001.
gnomAD v4.1: 6 of 1,613,402 alleles (0.00037%); highest among the groups gnomAD compares: African/African-American, 0.0027%; no homozygotes.

Submissions (3):

Ambry Genetics
Classification: Uncertain significance for Inborn genetic diseases. Last evaluated: 2021-09-27. Review status: criteria provided, single submitter. Criteria: Ambry Variant Classification Scheme 2023. Collection method: clinical testing. Allele origin: germline.

Labcorp Genetics (formerly Invitae), Labcorp
Classification: Uncertain significance for Schimke immuno-osseous dysplasia. Last evaluated: 2021-08-28. Review status: criteria provided, single submitter. Criteria: Invitae Variant Classification Sherloc (09022015). Collection method: clinical testing. Allele origin: germline.
Comment: This sequence change replaces tyrosine with cysteine at codon 141 of the SMARCAL1 protein (p.Tyr141Cys). The tyrosine residue is weakly conserved and there is a large physicochemical difference between tyrosine and cysteine. This variant is not present in population databases (ExAC no frequency). This variant has not been reported in the literature in individuals affected with SMARCAL1-related conditions. Algorithms developed to predict the effect of missense changes on protein structure and function output the following: SIFT: "Tolerated"; PolyPhen-2: "Benign"; Align-GVGD: "Class C0". The cysteine amino acid residue is found in multiple mammalian species, which suggests that this missense change does not adversely affect protein function. Algorithms developed to predict the effect of sequence changes on RNA splicing suggest that this variant may create or strengthen a splice site. In summary, the available evidence is currently insufficient to determine the role of this variant in disease. Therefore, it has been classified as a Variant of Uncertain Significance.

Natera, Inc.
Classification: Uncertain significance for Schimke immuno-osseous dysplasia. Last evaluated: 2020-07-02. Review status: no assertion criteria provided. Collection method: clinical testing. Allele origin: germline. Not counted in ClinVar's aggregate classification.

NM_014140.4(SMARCAL1):c.422A>G (p.Tyr141Cys)

Gene: SMARCAL1 (SNF2 related chromatin remodeling annealing helicase 1; plus strand). Cytogenetic location: 2q35.
Variant type: single nucleotide variant.
Coding change: c.422A>G on transcript NM_014140.4 (MANE Select); coding-DNA position 422, A replaced by G.
Protein change: p.Tyr141Cys; replaces tyrosine 141 with cysteine.
Molecular consequence: missense variant.
Genome position (GRCh38, 1-based): chr2:216,415,126, A>G. VCF-style: chr2-216415126-A-G. GRCh37 (hg19) VCF-style: chr2-217279849-A-G.
Other names: c.422A>G, p.Tyr141Cys (NM_001127207.2); short protein forms Y141C.
Identifiers: ClinVar variation 843968 (VCV000843968.10), dbSNP rs1296535575, ClinGen allele CA350497270.